The following is an entry in ClinVar:

ClinVar aggregate classification (germline): Benign. Review status: criteria provided, multiple submitters, no conflicts (2 of 4 stars). 3 submissions from 3 submitters: Benign (3). Last evaluated 2021-07-10.

Conditions:
Acyl-CoA dehydrogenase 9 deficiency. Also called: MITOCHONDRIAL COMPLEX I DEFICIENCY, NUCLEAR TYPE 20; Acyl-CoA dehydrogenase family, member 9, deficiency of. Identifiers: Orphanet 99901, MedGen C4747517, MONDO:0012624, OMIM 611126.

Allele frequency attached by ClinVar (database versions not stated): 1000 Genomes Project 0.08626; TOPMed 0.09889; gnomAD 0.10235 and 0.10455; gnomAD exomes 0.13056.
gnomAD v4.1: 114,315 of 907,148 alleles (13%); highest among the groups gnomAD compares: South Asian, 16%; 7,983 homozygotes.

Submissions (3):

Genome-Nilou Lab
Classification: Benign for Acyl-CoA dehydrogenase 9 deficiency. Last evaluated: 2021-07-10. Review status: criteria provided, single submitter. Criteria: ACMG Guidelines, 2015. Collection method: clinical testing. Allele origin: germline. Affected: no.

GeneDx
Classification: Benign. Last evaluated: 2018-06-14. Review status: criteria provided, single submitter. Criteria: GeneDx Variant Classification (06012015). Collection method: clinical testing. Allele origin: germline. Affected: yes.
Comment: This variant is considered likely benign or benign based on one or more of the following criteria: it is a conservative change, it occurs at a poorly conserved position in the protein, it is predicted to be benign by multiple in silico algorithms, and/or has population frequency not consistent with disease.

Breakthrough Genomics
Classification: Benign. Review status: criteria provided, single submitter. Criteria: ACMG Guidelines, 2015. Collection method: not provided. Allele origin: germline. Inheritance: Autosomal recessive inheritance. Affected: yes.

NM_014049.5(ACAD9):c.1358+152T>C

Gene: ACAD9 (acyl-CoA dehydrogenase family member 9; plus strand). Cytogenetic location: 3q21.3.
Variant type: single nucleotide variant.
Coding change: c.1358+152T>C on transcript NM_014049.5 (MANE Select); 152 bases into the intron after coding-DNA position 1358, T replaced by C.
Molecular consequence: intron variant.
Genome position (GRCh38, 1-based): chr3:128,908,416, T>C. VCF-style: chr3-128908416-T-C. GRCh37 (hg19) VCF-style: chr3-128627259-T-C.
Identifiers: ClinVar variation 680076 (VCV000680076.5), dbSNP rs13081342, ClinGen allele CA15251245.